The following is an entry in ClinVar:

ClinVar aggregate classification (germline): Benign (0 of 4 stars; one submission).

Conditions:
AHSG-related disorder. Also called: AHSG-related condition.

Allele frequency attached by ClinVar (database versions not stated): gnomAD exomes 0.00024; ExAC 0.00087; gnomAD 0.00249; ESP Exome Variant Server 0.00261; 1000 Genomes Project 30x 0.00281; TOPMed 0.00300; 1000 Genomes Project 0.00319.

Submission:

PreventionGenetics, part of Exact Sciences
Classification: Benign for AHSG-related condition. Last evaluated: 2019-07-15. Review status: no assertion criteria provided. Collection method: clinical testing. Allele origin: germline.
Comment: This variant is classified as benign based on ACMG/AMP sequence variant interpretation guidelines (Richards et al. 2015 PMID: 25741868, with internal and published modifications).

NM_001622.4(AHSG):c.*7C>A

Gene: AHSG (alpha 2-HS glycoprotein; plus strand). Cytogenetic location: 3q27.3.
Variant type: single nucleotide variant.
Coding change: c.*7C>A on transcript NM_001622.4 (MANE Select); 7 bases downstream of the stop codon, C replaced by A.
Molecular consequence: 3 prime UTR variant.
Genome position (GRCh38, 1-based): chr3:186,620,937, C>A. VCF-style: chr3-186620937-C-A. GRCh37 (hg19) VCF-style: chr3-186338726-C-A.
Other names: c.*7C>A (NM_001354571.2, NM_001354572.2, NM_001354573.2).
Identifiers: ClinVar variation 3038852 (VCV003038852.2), dbSNP rs150951901, ClinGen allele CA2745112.